The following is an entry in ClinVar:

NM_004281.4(BAG3):c.766G>T (p.Glu256Ter)

Gene: BAG3 (BAG cochaperone 3; plus strand). Cytogenetic location: 10q26.11.
Variant type: single nucleotide variant.
Coding change: c.766G>T on transcript NM_004281.4 (MANE Select); coding-DNA position 766, G replaced by T.
Protein change: p.Glu256Ter; replaces glutamic acid 256 with a stop codon.
Molecular consequence: nonsense.
Genome position (GRCh38, 1-based): chr10:119,672,513, G>T. VCF-style: chr10-119672513-G-T. GRCh37 (hg19) VCF-style: chr10-121432025-G-T.
Other names: short protein forms E256*.
Identifiers: ClinVar variation 1456480 (VCV001456480.6), dbSNP rs2134065278, ClinGen allele CA378295768.
Genomic context (GRCh38, chr10:119,672,513, plus strand): 5'-CAGCAGGGGGAGTACCAGACCCACCAGCCTGTGTACCACAAGATCCAGGGGGATGACTGG[G>T]AGCCCCGGCCCCTGCGGGCGGCATCCCCGTTCAGGTCATCTGTCCAGGGTGCATCGAGCC-3'

ClinVar aggregate classification (germline): Pathogenic (1 of 4 stars; one submission).

Conditions:
Dilated cardiomyopathy 1HH (CMD1HH). Identifiers: Orphanet 154, MedGen C3151293, MONDO:0013479, OMIM 613881.
Myofibrillar myopathy 6. Identifiers: Orphanet 199340, MedGen C2751831, MONDO:0013061, OMIM 612954.

Submission:

Labcorp Genetics (formerly Invitae), Labcorp
Classification: Pathogenic for Dilated cardiomyopathy 1HH; Myofibrillar myopathy 6. Last evaluated: 2022-01-20. Review status: criteria provided, single submitter. Criteria: Invitae Variant Classification Sherloc (09022015). Collection method: clinical testing. Allele origin: germline.
Comment: For these reasons, this variant has been classified as Pathogenic. Algorithms developed to predict the effect of sequence changes on RNA splicing suggest that this variant may create or strengthen a splice site. This variant has not been reported in the literature in individuals affected with BAG3-related conditions. This variant is not present in population databases (gnomAD no frequency). This sequence change creates a premature translational stop signal (p.Glu256*) in the BAG3 gene. It is expected to result in an absent or disrupted protein product. Loss-of-function variants in BAG3 are known to be pathogenic (PMID: 21353195, 25008357).

Literature cited by the submitters: PubMed 21353195; PubMed 25008357.